The following is an entry in ClinVar:

NM_152383.5(DIS3L2):c.2268CTT[1] (p.Phe758del)

Gene: DIS3L2 (DIS3 like 3'-5' exoribonuclease 2; plus strand). Cytogenetic location: 2q37.1.
Variant type: Microsatellite.
Coding change: c.2268CTT[1] on transcript NM_152383.5 (MANE Select); one copy of the 3-base unit CTT starting at c.2268; the reference has two copies in a row; one copy, 3 bases deleted.
Protein change: p.Phe758del; deletes phenylalanine 758.
Molecular consequence: non-coding transcript variant (on NR_046476.2). On other transcripts: intron variant (1).
Genome position (GRCh38, 1-based): chr2:232,334,481-232,334,483, CTT deleted; deleting any 3 consecutive bases within chr2:232,334,477-232,334,483 gives the same sequence; the position shown is the placement nearest the transcript's 3' end. VCF-style (leftmost placement, unchanged base first): chr2-232334476-CTCT-C. GRCh37 (hg19) VCF-style: chr2-233199186-CTCT-C.
Other names: c.1582-8864_1582-8862del (NM_001257281.2); short protein forms F758del.
Identifiers: ClinVar variation 3667635 (VCV003667635.2).

ClinVar aggregate classification (germline): Uncertain significance (1 of 4 stars; one submission).

Conditions:
Perlman syndrome (PRLMNS). Identifiers: Orphanet 2849, MedGen C0796113, MONDO:0009965, OMIM 267000.

Submission:

Labcorp Genetics (formerly Invitae), Labcorp
Classification: Uncertain significance for Perlman syndrome. Last evaluated: 2024-05-27. Review status: criteria provided, single submitter. Criteria: Invitae Variant Classification Sherloc (09022015). Collection method: clinical testing. Allele origin: germline.
Comment: This variant, c.2271_2273del, results in the deletion of 1 amino acid(s) of the DIS3L2 protein (p.Phe758del), but otherwise preserves the integrity of the reading frame. This variant is present in population databases (rs766477575, gnomAD 0.003%). This variant has not been reported in the literature in individuals affected with DIS3L2-related conditions. Experimental studies and prediction algorithms are not available or were not evaluated, and the functional significance of this variant is currently unknown. In summary, the available evidence is currently insufficient to determine the role of this variant in disease. Therefore, it has been classified as a Variant of Uncertain Significance.